The following is an entry in ClinVar:

ClinVar aggregate classification (germline): Uncertain significance (1 of 4 stars; one submission).

Conditions:
Amyotrophic lateral sclerosis type 21. Also called: MYOPATHY, DISTAL, 2; VOCAL CORD AND PHARYNGEAL DYSFUNCTION WITH DISTAL MYOPATHY. Identifiers: Orphanet 600, Orphanet 803, MedGen C3807521, MONDO:0011632, OMIM 606070.

Allele frequency attached by ClinVar (database versions not stated): ExAC 0.00001.
gnomAD v4.1: 34 of 1,614,202 alleles (0.0021%); highest among the groups gnomAD compares: Non-Finnish European, 0.0028%; no homozygotes.

Submission:

Labcorp Genetics (formerly Invitae), Labcorp
Classification: Uncertain significance for Amyotrophic lateral sclerosis type 21. Last evaluated: 2025-08-18. Review status: criteria provided, single submitter. Criteria: Invitae Variant Classification Sherloc (09022015). Collection method: clinical testing. Allele origin: germline.
Comment: This sequence change replaces methionine, which is neutral and non-polar, with leucine, which is neutral and non-polar, at codon 650 of the MATR3 protein (p.Met650Leu). This variant is present in population databases (rs749026971, gnomAD 0.0009%). This variant has not been reported in the literature in individuals affected with MATR3-related conditions. ClinVar contains an entry for this variant (Variation ID: 578787). Invitae Evidence Modeling of protein sequence and biophysical properties (such as structural, functional, and spatial information, amino acid conservation, physicochemical variation, residue mobility, and thermodynamic stability) indicates that this missense variant is not expected to disrupt MATR3 protein function with a negative predictive value of 80%. In summary, the available evidence is currently insufficient to determine the role of this variant in disease. Therefore, it has been classified as a Variant of Uncertain Significance.

NM_018834.6(MATR3):c.1948A>C (p.Met650Leu)

Genes: MATR3 (matrin 3; plus strand), LOC126807526 (CDK7 strongly-dependent group 2 enhancer GRCh37_chr5:138657767-138658966; plus strand). Cytogenetic location: 5q31.2.
Variant type: single nucleotide variant.
Coding change: c.1948A>C on transcript NM_018834.6 (MANE Select); coding-DNA position 1948, A replaced by C.
Protein change: p.Met650Leu; replaces methionine 650 with leucine.
Molecular consequence: missense variant.
Genome position (GRCh38, 1-based): chr5:139,322,767, A>C. VCF-style: chr5-139322767-A-C. GRCh37 (hg19) VCF-style: chr5-138658456-A-C.
Other names: c.1948A>C, p.Met650Leu (NM_001194954.2, NM_001194955.2, NM_199189.3); c.1084A>C, p.Met362Leu (NM_001194956.2); c.934A>C, p.Met312Leu (NM_001282278.2); short protein forms M650L, M312L, M362L.
Identifiers: ClinVar variation 578787 (VCV000578787.9), dbSNP rs749026971, ClinGen allele CA3433278.